The following is an entry in ClinVar:

ClinVar aggregate classification (germline): Uncertain significance (1 of 4 stars; one submission).

Conditions:
Hereditary cancer-predisposing syndrome. Also called: Hereditary neoplastic syndrome; Neoplastic Syndromes, Hereditary; Tumor predisposition; Hereditary Cancer Syndrome. Identifiers: Orphanet 140162, MedGen C0027672, MeSH D009386, MONDO:0015356.

Allele frequency attached by ClinVar (database versions not stated): gnomAD exomes below 0.00001.
gnomAD v4.1: 1 of 1,606,360 alleles (0.000062%); highest among the groups gnomAD compares: East Asian, 0.0022%; no homozygotes.

Submission:

Labcorp Genetics (formerly Invitae), Labcorp
Classification: Uncertain significance for Hereditary cancer-predisposing syndrome. Last evaluated: 2025-07-30. Review status: criteria provided, single submitter. Criteria: Invitae Variant Classification Sherloc (09022015). Collection method: clinical testing. Allele origin: germline.
Comment: This sequence change replaces leucine, which is neutral and non-polar, with phenylalanine, which is neutral and non-polar, at codon 732 of the RAD50 protein (p.Leu732Phe). This variant is not present in population databases (gnomAD no frequency). This variant has not been reported in the literature in individuals affected with RAD50-related conditions. ClinVar contains an entry for this variant (Variation ID: 941628). Invitae Evidence Modeling of protein sequence and biophysical properties (such as structural, functional, and spatial information, amino acid conservation, physicochemical variation, residue mobility, and thermodynamic stability) indicates that this missense variant is expected to disrupt RAD50 protein function with a positive predictive value of 80%. In summary, the available evidence is currently insufficient to determine the role of this variant in disease. Therefore, it has been classified as a Variant of Uncertain Significance.

NM_005732.4(RAD50):c.2194C>T (p.Leu732Phe)

Gene: RAD50 (RAD50 double strand break repair protein; plus strand). Cytogenetic location: 5q31.1.
Variant type: single nucleotide variant.
Coding change: c.2194C>T on transcript NM_005732.4 (MANE Select); coding-DNA position 2194, C replaced by T.
Protein change: p.Leu732Phe; replaces leucine 732 with phenylalanine.
Molecular consequence: missense variant.
Genome position (GRCh38, 1-based): chr5:132,595,797, C>T. VCF-style: chr5-132595797-C-T. GRCh37 (hg19) VCF-style: chr5-131931489-C-T.
Other names: short protein forms L732F.
Identifiers: ClinVar variation 941628 (VCV000941628.10), dbSNP rs1750782073, ClinGen allele CA360950857.